The following is an entry in ClinVar:

NM_001035.3(RYR2):c.5654G>C (p.Gly1885Ala)

Gene: RYR2 (ryanodine receptor 2; plus strand). Cytogenetic location: 1q43.
Variant type: single nucleotide variant.
Coding change: c.5654G>C on transcript NM_001035.3 (MANE Select); coding-DNA position 5654, G replaced by C.
Protein change: p.Gly1885Ala; replaces glycine 1885 with alanine.
Molecular consequence: missense variant.
Genome position (GRCh38, 1-based): chr1:237,614,782, G>C. VCF-style: chr1-237614782-G-C. GRCh37 (hg19) VCF-style: chr1-237778082-G-C.
Other names: c.5654G>C, p.Gly1885Ala (LRG_402t1); short protein forms G1885A.
Identifiers: ClinVar variation 643267 (VCV000643267.16), dbSNP rs41315858, ClinGen allele CA086927.
Genomic context (GRCh38, chr1:237,614,782, plus strand): 5'-AGAAAGAGCTCAGTGTGGACGATGCAAAGCTGCAAGGAGCTGGTGAGGAAGAAGCCAAGG[G>C]GGGCAAGCGGCCCAAGGAAGGCCTGCTCCAAATGAAACTGCCAGAGCCAGTTAAATTGCA-3'
Protein context (NP_001026.2, residues 1875-1895): LQGAGEEEAK[Gly1885Ala]GKRPKEGLLQ

ClinVar aggregate classification (germline): Conflicting classifications of pathogenicity. Review status: criteria provided, conflicting classifications (1 of 4 stars). 6 submissions from 6 submitters: Uncertain significance (4); Benign (1); Likely benign (1). Last evaluated 2025-12-10.

Conditions:
Catecholaminergic polymorphic ventricular tachycardia (CVPT). Also called: Catecholamine-induced polymorphic ventricular tachycardia. Identifiers: Orphanet 3286, MedGen C5574922, MONDO:0017990.
Arrhythmogenic right ventricular dysplasia 2. Identifiers: MedGen C1832931.
Ventricular arrhythmias due to cardiac ryanodine receptor calcium release deficiency syndrome. Also called: Autosomal dominant cardiac arrhythmia (Kuhn). Identifiers: MedGen C5542154, MONDO:0020745, OMIM 115000.
Catecholaminergic polymorphic ventricular tachycardia 1. Also called: RYR2-Related Catecholaminergic Polymorphic Ventricular Tachycardia; VENTRICULAR TACHYCARDIA, STRESS-INDUCED POLYMORPHIC 1; VENTRICULAR TACHYCARDIA, CATECHOLAMINERGIC POLYMORPHIC, 1, WITH OR WITHOUT ATRIAL DYSFUNCTION AND/OR DILATED CARDIOMYOPATHY. Identifiers: Orphanet 3286, MedGen C1631597, MONDO:0011484, OMIM 604772.
Cardiovascular phenotype. Identifiers: MedGen CN230736.
Cardiomyopathy (CMYO). Also called: Cardiomyopathies. Identifiers: Orphanet 167848, MedGen C0878544, MONDO:0004994, HP:0001638. Inheritance: Various modes of inheritance.

Allele frequency attached by ClinVar (database versions not stated): TOPMed 0.00002.
gnomAD v4.1: 11 of 1,609,636 alleles (0.00068%); highest among the groups gnomAD compares: African/African-American, 0.0013%; no homozygotes.

Submissions (6):

Labcorp Genetics (formerly Invitae), Labcorp
Classification: Benign for Catecholaminergic polymorphic ventricular tachycardia 1. Last evaluated: 2025-12-10. Review status: criteria provided, single submitter. Criteria: Invitae Variant Classification Sherloc (09022015). Collection method: clinical testing. Allele origin: germline.

Color Diagnostics, LLC DBA Color Health
Classification: Likely benign for Cardiomyopathy. Last evaluated: 2025-08-20. Review status: criteria provided, single submitter. Criteria: ACMG Guidelines, 2015. Collection method: clinical testing. Allele origin: germline.

All of Us Research Program, National Institutes of Health
Classification: Uncertain significance for Catecholaminergic polymorphic ventricular tachycardia. Last evaluated: 2024-01-03. Review status: criteria provided, single submitter. Criteria: ACMG Guidelines, 2015. Collection method: clinical testing. Allele origin: germline. Inheritance: Autosomal dominant inheritance. Observed: 4 variant alleles, 4 heterozygotes.
Comment: This missense variant replaces glycine with alanine at codon 1885 of the RYR2 protein. Computational prediction suggests that this variant may not impact protein structure and function (internally defined REVEL score threshold <= 0.5, PMID: 27666373). To our knowledge, functional studies have not been reported for this variant. This variant has not been reported in individuals affected with cardiovascular disorders in the literature. This variant has been identified in 2/245448 chromosomes in the general population by the Genome Aggregation Database (gnomAD). The available evidence is insufficient to determine the role of this variant in disease conclusively. Therefore, this variant is classified as a Variant of Uncertain Significance.

This study involves interpretation of variants in research participants for the purpose of population health screening. Participant phenotype was not available at the time of variant classification. Additional details can be found in publication PMID: 35346344, PMCID: PMC8962531

GeneDx
Classification: Uncertain significance. Last evaluated: 2023-11-07. Review status: criteria provided, single submitter. Criteria: GeneDx Variant Classification Process June 2021. Collection method: clinical testing. Allele origin: germline. Affected: yes.
Comment: Not observed at significant frequency in large population cohorts (gnomAD); In silico analysis supports that this missense variant does not alter protein structure/function; Has not been previously published as pathogenic or benign to our knowledge; Not located in one of the three hot-spot regions of the RYR2 gene, where the majority of pathogenic missense variants occur (PMID: 19926015); This variant is associated with the following publications: (PMID: 19926015, 23861362)

Fulgent Genetics
Classification: Uncertain significance for Ventricular arrhythmias due to cardiac ryanodine receptor calcium release deficiency syndrome; Catecholaminergic polymorphic ventricular tachycardia 1. Last evaluated: 2021-09-20. Review status: criteria provided, single submitter. Criteria: ACMG Guidelines, 2015. Collection method: clinical testing. Allele origin: unknown.

Ambry Genetics
Classification: Uncertain significance for Cardiovascular phenotype. Last evaluated: 2021-08-23. Review status: criteria provided, single submitter. Criteria: Ambry Variant Classification Scheme 2023. Collection method: clinical testing. Allele origin: germline.
Comment: The p.G1885A variant (also known as c.5654G>C), located in coding exon 37 of the RYR2 gene, results from a G to C substitution at nucleotide position 5654. The glycine at codon 1885 is replaced by alanine, an amino acid with similar properties. This alteration has been reported as a secondary cardiac variant in an exome cohort; however, clinical details are limited (Ng D et al. Circ Cardiovasc Genet, 2013 Aug;6:337-46). This amino acid position is not well conserved in available vertebrate species. In addition, this alteration is predicted to be tolerated by in silico analysis. Since supporting evidence is limited at this time, the clinical significance of this alteration remains unclear.

Literature cited by the submitters: PubMed 23861362 (cited by Ambry Genetics).